The following is an entry in ClinVar:

ClinVar aggregate classification (germline): Likely benign (0 of 4 stars; one submission).

Conditions:
MATR3-related disorder. Also called: MATR3-related condition.

Submission:

PreventionGenetics, part of Exact Sciences
Classification: Likely benign for MATR3-related condition. Last evaluated: 2022-06-23. Review status: no assertion criteria provided. Collection method: clinical testing. Allele origin: germline.
Comment: This variant is classified as likely benign based on ACMG/AMP sequence variant interpretation guidelines (Richards et al. 2015 PMID: 25741868, with internal and published modifications).

NM_018834.6(MATR3):c.687G>A (p.Arg229=)

Gene: MATR3 (matrin 3; plus strand). Cytogenetic location: 5q31.2.
Variant type: single nucleotide variant.
Coding change: c.687G>A on transcript NM_018834.6 (MANE Select); coding-DNA position 687, G replaced by A.
Protein change: p.Arg229=; no amino-acid change (arginine 229 retained).
Molecular consequence: synonymous variant. On other transcripts: intron variant (11).
Genome position (GRCh38, 1-based): chr5:139,308,102, G>A. VCF-style: chr5-139308102-G-A. GRCh37 (hg19) VCF-style: chr5-138643791-G-A.
Other names: c.687G>A, p.Arg229= (NM_001194954.2, NM_001194955.2, NM_001400441.1 and 16 more transcripts); c.52-6573G>A (NM_001400459.1); c.-102-6573G>A (NM_001400463.1, NM_001400460.1, NM_001282278.2 and 3 more transcripts); c.-40-7595G>A (NM_001400462.1, NM_001400467.1); c.13-6573G>A (NM_001400461.1); c.49-6573G>A (NM_001194956.2).
Identifiers: ClinVar variation 3353443 (VCV003353443.1).